The following is an entry in ClinVar:

ClinVar aggregate classification (germline): Pathogenic/Likely pathogenic. Review status: criteria provided, multiple submitters, no conflicts (2 of 4 stars). 2 submissions from 2 submitters: Pathogenic (1); Likely pathogenic (1). Last evaluated 2023-04-01.

Conditions:
Frontotemporal dementia and/or amyotrophic lateral sclerosis 1 (FTDALS1). Also called: Frontotemporal dementia with motor neuron disease 1; C9orf72 Frontotemporal Dementia and/or Amyotrophic Lateral Sclerosis. Identifiers: Orphanet 275872, MedGen C5779877, MONDO:0007105, OMIM 105550.
Paget disease of bone 2, early-onset (PDB2). Also called: Paget disease of bone 2. Identifiers: MedGen C4085251, MONDO:0011183, OMIM 602080.

Allele frequency attached by ClinVar (database versions not stated): gnomAD exomes below 0.00001.

Submissions (2):

CeGaT Center for Human Genetics Tuebingen
Classification: Likely pathogenic. Last evaluated: 2023-04-01. Review status: criteria provided, single submitter. Criteria: CeGaT Center For Human Genetics Tuebingen Variant Classification Criteria Version 2. Collection method: clinical testing. Allele origin: germline. Affected: yes. Observed: 1 variant allele.
Comment: SQSTM1: PVS1:Strong, PM2

Labcorp Genetics (formerly Invitae), Labcorp
Classification: Pathogenic for Paget disease of bone 2, early-onset; Frontotemporal dementia and/or amyotrophic lateral sclerosis 1. Last evaluated: 2022-03-23. Review status: criteria provided, single submitter. Criteria: Invitae Variant Classification Sherloc (09022015). Collection method: clinical testing. Allele origin: germline.
Comment: This premature translational stop signal has been observed in individual(s) with autosomal dominant Paget's disease of bone (PMID: 14584883). It has also been observed to segregate with disease in related individuals. This variant is not present in population databases (gnomAD no frequency). This sequence change creates a premature translational stop signal (p.Asp391Thrfs*4) in the SQSTM1 gene. While this is not anticipated to result in nonsense mediated decay, it is expected to disrupt the last 50 amino acid(s) of the SQSTM1 protein. This variant is also known as 1210delT. For these reasons, this variant has been classified as Pathogenic. ClinVar contains an entry for this variant (Variation ID: 1069495).

Literature cited by the submitters: PubMed 14584883 (cited by Labcorp Genetics (formerly Invitae), Labcorp).

NM_003900.5(SQSTM1):c.1170del (p.Asp391fs)

Gene: SQSTM1 (sequestosome 1; plus strand). Cytogenetic location: 5q35.3.
Variant type: Deletion.
Coding change: c.1170del on transcript NM_003900.5 (MANE Select); coding-DNA position 1170, one base deleted (T; older notation c.1170delT).
Protein change: p.Asp391fs; shifts the reading frame from aspartic acid 391.
Molecular consequence: frameshift variant.
Genome position (GRCh38, 1-based): chr5:179,836,440, T deleted. VCF-style (leftmost placement, unchanged base first): chr5-179836439-CT-C. GRCh37 (hg19) VCF-style: chr5-179263439-CT-C.
Other names: c.918del, p.Asp307fs (NM_001142298.2, NM_001142299.2); short protein forms D307fs, D391fs.
Identifiers: ClinVar variation 1069495 (VCV001069495.35), dbSNP rs1758558921, ClinGen allele CA1604336256.